The following is an entry in ClinVar:

NM_024529.5(CDC73):c.1096G>A (p.Ala366Thr)

Gene: CDC73 (cell division cycle 73; plus strand). Cytogenetic location: 1q31.2.
Variant type: single nucleotide variant.
Coding change: c.1096G>A on transcript NM_024529.5 (MANE Select); coding-DNA position 1096, G replaced by A.
Protein change: p.Ala366Thr; replaces alanine 366 with threonine.
Molecular consequence: missense variant.
Genome position (GRCh38, 1-based): chr1:193,212,419, G>A. VCF-style: chr1-193212419-G-A. GRCh37 (hg19) VCF-style: chr1-193181549-G-A.
Other names: short protein forms A366T.
Identifiers: ClinVar variation 1465101 (VCV001465101.8), dbSNP rs2102038531, ClinGen allele CA344077568.
Genomic context (GRCh38, chr1:193,212,419, plus strand): 5'-TATTTTCTACCTGTAAATTTTGTCTTTATAGGATCTCGAACACCCATTATCATAATTCCT[G>A]CAGCTACCACCTCTTTAATAACCATGCTTAATGCAAAAGACCTTCTACAGGACCTGAAGT-3'
Protein context (NP_078805.3, residues 356-376): GSRTPIIIIP[Ala366Thr]ATTSLITMLN

ClinVar aggregate classification (germline): Uncertain significance (1 of 4 stars; one submission).

Conditions:
Parathyroid carcinoma (PRTC). Also called: Parathyroid gland carcinoma; CDC73-Related Parathyroid Carcinoma. Identifiers: Orphanet 143, MedGen C0687150, MONDO:0012004, OMIM 608266, HP:0006780.

Submission:

Labcorp Genetics (formerly Invitae), Labcorp
Classification: Uncertain significance for Parathyroid carcinoma. Last evaluated: 2023-12-11. Review status: criteria provided, single submitter. Criteria: Invitae Variant Classification Sherloc (09022015). Collection method: clinical testing. Allele origin: germline.
Comment: This sequence change replaces alanine, which is neutral and non-polar, with threonine, which is neutral and polar, at codon 366 of the CDC73 protein (p.Ala366Thr). This variant is not present in population databases (gnomAD no frequency). This variant has not been reported in the literature in individuals affected with CDC73-related conditions. ClinVar contains an entry for this variant (Variation ID: 1465101). Advanced modeling of protein sequence and biophysical properties (such as structural, functional, and spatial information, amino acid conservation, physicochemical variation, residue mobility, and thermodynamic stability) performed at Invitae indicates that this missense variant is expected to disrupt CDC73 protein function with a positive predictive value of 80%. In summary, the available evidence is currently insufficient to determine the role of this variant in disease. Therefore, it has been classified as a Variant of Uncertain Significance.